The following is an entry in ClinVar:

ClinVar aggregate classification (germline): Pathogenic (1 of 4 stars; one submission).

Conditions:
Duchenne muscular dystrophy (DMD). Also called: MUSCULAR DYSTROPHY, PSEUDOHYPERTROPHIC PROGRESSIVE, DUCHENNE TYPE; Duchenne Muscular Dystrophy (DMD). Identifiers: Orphanet 98896, MedGen C0013264, MONDO:0010679, OMIM 310200.

Submission:

Labcorp Genetics (formerly Invitae), Labcorp
Classification: Pathogenic for Duchenne muscular dystrophy. Last evaluated: 2020-03-19. Review status: criteria provided, single submitter. Criteria: Invitae Variant Classification Sherloc (09022015). Collection method: clinical testing. Allele origin: germline.
Comment: For these reasons, this variant has been classified as Pathogenic. Loss-of-function variants in DMD are known to be pathogenic (PMID: 16770791, 25007885). This variant has not been reported in the literature in individuals with DMD-related conditions. This variant is not present in population databases (ExAC no frequency). This sequence change creates a premature translational stop signal (p.Thr662Tyrfs*58) in the DMD gene. It is expected to result in an absent or disrupted protein product.

Literature cited by the submitters: PubMed 16770791; PubMed 25007885.

NM_004006.3(DMD):c.1983dup (p.Thr662fs)

Gene: DMD (dystrophin; minus strand). Cytogenetic location: Xp21.1.
Variant type: Duplication.
Coding change: c.1983dup on transcript NM_004006.3 (MANE Select); coding-DNA position 1983, one base duplicated (T; older notation c.1983dupT).
Protein change: p.Thr662fs; shifts the reading frame from threonine 662.
Molecular consequence: frameshift variant.
Genome position (GRCh38, 1-based): chrX:32,565,711, A duplicated on the plus strand (T on the coding strand, the reverse complement: DMD is on the minus strand). VCF-style (leftmost placement, unchanged base first): chrX-32565710-T-TA. GRCh37 (hg19) VCF-style: chrX-32583827-T-TA.
Other names: c.1959dup, p.Thr654fs (NM_000109.4); c.1971dup, p.Thr658fs (NM_004009.3); c.1614dup, p.Thr539fs (NM_004010.3); short protein forms T539fs, T654fs, T658fs, T662fs.
Identifiers: ClinVar variation 1073681 (VCV001073681.8), dbSNP rs2149094471, ClinGen allele CA2499226653.
Genomic context (GRCh38, chrX:32,565,710, plus strand): 5'-GGTTTAAAAAATCTCTGAGATAGTCTGTAGCATGATAATTGGTATCACTAACCTGTGCTG[T>TA]ACTCTTTTCAAGTTTTTGGACTAAATTATCCCAACACCGGGCAAAGTTATCCAGCCATGC-3'